The following is an entry in ClinVar:

NM_001371928.1(AHDC1):c.1122del (p.Pro376fs)

Gene: AHDC1 (AT-hook DNA binding motif containing 1; minus strand). Cytogenetic location: 1p36.11.
Variant type: Deletion.
Coding change: c.1122del on transcript NM_001371928.1 (MANE Select); coding-DNA position 1122, one base deleted (C; older notation c.1122delC).
Protein change: p.Pro376fs; shifts the reading frame from proline 376.
Molecular consequence: frameshift variant.
Genome position (GRCh38, 1-based): chr1:27,550,994, G deleted on the plus strand (C on the coding strand, the reverse complement: AHDC1 is on the minus strand); the first of 7 consecutive G bases (chr1:27,550,994-27,551,000); deleting any one gives the same sequence. VCF-style (leftmost placement, unchanged base first): chr1-27550993-CG-C. GRCh37 (hg19) VCF-style: chr1-27877504-CG-C.
Other names: c.1122del, p.Pro376fs (NM_001029882.3); c.1122delC (NM_001029882.3); short protein forms P376fs.
Identifiers: ClinVar variation 2430037 (VCV002430037.3), dbSNP rs749294057, ClinGen allele CA716013.
Genomic context (GRCh38, chr1:27,550,993, plus strand): 5'-GACACAGGATCTTTGGCCTATCAGTGCGCCGCAAGGCGTACTTGGGGTGACCCTCAGGCC[CG>C]GGGGGGCCGTGCGGTGAGCACAAGTCCAGGCGCAAGGGCTCGGCCAGTGGGCAGTGCCCC-3'

ClinVar aggregate classification (germline): Pathogenic/Likely pathogenic. Review status: criteria provided, multiple submitters, no conflicts (2 of 4 stars). 2 submissions from 2 submitters: Pathogenic (1); Likely pathogenic (1). Last evaluated 2022-11-08.

Conditions:
AHDC1-related disorder. Also called: AHDC1-related condition.
AHDC1-related intellectual disability - obstructive sleep apnea - mild dysmorphism syndrome. Also called: Xia-Gibbs syndrome. Identifiers: Orphanet 412069, MedGen C4014419, MONDO:0014358, OMIM 615829.

Submissions (2):

PreventionGenetics, part of Exact Sciences
Classification: Likely pathogenic for AHDC1-related condition. Last evaluated: 2022-11-08. Review status: criteria provided, single submitter. Criteria: ACMG Guidelines, 2015. Collection method: clinical testing. Allele origin: germline.
Comment: The AHDC1 c.1122delC variant is predicted to result in a frameshift and premature protein termination (p.Pro376Leufs*76). To our knowledge, this variant has not been reported in the literature. This variant is reported in 0.036% of alleles in individuals of African descent in gnomAD. However, quality metrics suggest that the gnomAD occurrences may be the result of sequencing artifacts. Frameshift variants in AHDC1 are expected to be pathogenic. This variant is interpreted as likely pathogenic.

Department of Genetics, Rouen University Hospital, Normandy Center for Genomic and Personalized Medicine
Classification: Pathogenic for AHDC1-related intellectual disability - obstructive sleep apnea - mild dysmorphism syndrome. Last evaluated: 2022-01-06. Review status: criteria provided, single submitter. Criteria: ACMG Guidelines, 2015. Collection method: clinical testing. Allele origin: unknown. Affected: yes.